The following is an entry in ClinVar:

NM_201384.3(PLEC):c.4594C>T (p.Gln1532Ter)

Gene: PLEC (plectin; minus strand). Cytogenetic location: 8q24.3.
Variant type: single nucleotide variant.
Coding change: c.4594C>T on transcript NM_201384.3 (MANE Select); coding-DNA position 4594, C replaced by T.
Protein change: p.Gln1532Ter; replaces glutamine 1532 with a stop codon.
Molecular consequence: nonsense. On other transcripts: intron variant (1).
Genome position (GRCh38, 1-based): chr8:143,925,335, G>A on the plus strand (C>T on the coding strand, the complement: PLEC is on the minus strand). VCF-style: chr8-143925335-G-A. GRCh37 (hg19) VCF-style: chr8-144999503-G-A.
Other names: c.4675C>T, p.Gln1559Ter (NM_000445.5); c.4552C>T, p.Gln1518Ter (NM_201378.4); c.4528C>T, p.Gln1510Ter (NM_201379.3); c.5005C>T, p.Gln1669Ter (NM_201380.4); c.4498C>T, p.Gln1500Ter (NM_201381.3); c.4594C>T, p.Gln1532Ter (NM_201382.4); c.4606C>T, p.Gln1536Ter (NM_201383.3); c.4125+1449C>T (NM_001410941.1); short protein forms Q1518*, Q1532*, Q1536*, Q1669*, Q1500*, Q1510*, Q1559*.
Identifiers: ClinVar variation 4785241 (VCV004785241.1).
Genomic context (GRCh38, chr8:143,925,335, plus strand): 5'-GGCGCCGCTCCGCCTCCTCCGCCTGCAGCCGCAGCTCCTCCAGGGCCTGCAGGGCCCGCT[G>A]CTTCTCGCGCGCCGCCTCGGCCTCGGCCTTCACGCGCGAGGCCAGCTCCACCTCCGCCTG-3'

ClinVar aggregate classification (germline): Pathogenic (1 of 4 stars; one submission).

Conditions:
Epidermolysis bullosa simplex with nail dystrophy (EBS5D). Identifiers: MedGen C4225309, MONDO:0014661, OMIM 616487.
Epidermolysis bullosa simplex, Ogna type (EBS5A). Also called: Pidermolysis bullosa simplex 5A, Ogna type; EPIDERMOLYSIS BULLOSA SIMPLEX 5A, OGNA TYPE. Identifiers: Orphanet 79401, MedGen C0432317, MONDO:0007555, OMIM 131950.
Epidermolysis bullosa simplex 5B, with muscular dystrophy (EBS5B). Also called: Epidermolysis bullosa simplex with muscular dystrophy; EPIDERMOLYSIS BULLOSA SIMPLEX AND LIMB-GIRDLE MUSCULAR DYSTROPHY. Identifiers: Orphanet 257, MedGen C2931072, MONDO:0009181, OMIM 226670.
Autosomal recessive limb-girdle muscular dystrophy type 2Q (LGMDR17). Also called: MUSCULAR DYSTROPHY, LIMB-GIRDLE, AUTOSOMAL RECESSIVE 17. Identifiers: Orphanet 254361, MedGen C3150989, MONDO:0013390, OMIM 613723.
Epidermolysis bullosa simplex 5C, with pyloric atresia (EBS5C). Also called: PLEC-Related Epidermolysis Bullosa with Pyloric Atresia; Epidermolysis bullosa simplex with pyloric atresia; PLEC1-Related Epidermolysis Bullosa with Pyloric Atresia. Identifiers: Orphanet 158684, MedGen C2677349, MONDO:0012807, OMIM 612138.

gnomAD v4.1: 2 of 1,554,882 alleles (0.00013%); highest among the groups gnomAD compares: Non-Finnish European, 0.00017%; no homozygotes.

Submission:

Labcorp Genetics (formerly Invitae), Labcorp
Classification: Pathogenic for Autosomal recessive limb-girdle muscular dystrophy type 2Q; Epidermolysis bullosa simplex, Ogna type; Epidermolysis bullosa simplex with nail dystrophy; Epidermolysis bullosa simplex 5C, with pyloric atresia; Epidermolysis bullosa simplex 5B, with muscular dystrophy. Last evaluated: 2025-06-09. Review status: criteria provided, single submitter. Criteria: Invitae Variant Classification Sherloc (09022015). Collection method: clinical testing. Allele origin: germline.
Comment: This sequence change creates a premature translational stop signal (p.Gln1559*) in the PLEC gene. It is expected to result in an absent or disrupted protein product. Loss-of-function variants in PLEC are known to be pathogenic (PMID: 20301336, 20447487, 21109228, 23289980, 28824526). This variant is not present in population databases (gnomAD no frequency). This variant has not been reported in the literature in individuals affected with PLEC-related conditions. For these reasons, this variant has been classified as Pathogenic.

Literature cited by the submitters: PubMed 20301336; PubMed 20447487; PubMed 21109228; PubMed 23289980; PubMed 28824526.